The following is an entry in ClinVar:

NM_181882.3(PRX):c.1900_1914del (p.629MKLPE[1])

Gene: PRX (periaxin; minus strand). Cytogenetic location: 19q13.2.
Variant type: Deletion.
Coding change: c.1900_1914del on transcript NM_181882.3 (MANE Select); coding-DNA positions 1900 to 1914, 15 bases deleted (ATGAAACTCCCTGAG).
Protein change: p.629MKLPE[1].
Molecular consequence: inframe deletion. On other transcripts: 3 prime UTR variant (1).
Genome position (GRCh38, 1-based): chr19:40,396,438-40,396,452, CTCAGGGAGTTTCAT deleted on the plus strand (ATGAAACTCCCTGAG on the coding strand, the reverse complement: PRX is on the minus strand); deleting any 15 consecutive bases within chr19:40,396,438-40,396,461 gives the same sequence; the c. name uses the placement nearest the transcript's 3' end. VCF-style (leftmost placement, unchanged base first): chr19-40396437-CCTCAGGGAGTTTCAT-C. GRCh37 (hg19) VCF-style: chr19-40902344-CCTCAGGGAGTTTCAT-C.
Other names: p.Met634_Glu638del; c.1900_1914delATGAAACTCCCTGAG (NM_181882.2); c.*2105_*2119del (NM_020956.2).
Identifiers: ClinVar variation 577945 (VCV000577945.18), dbSNP rs575492732, ClinGen allele CA9444174.

ClinVar aggregate classification (germline): Conflicting classifications of pathogenicity. Review status: criteria provided, conflicting classifications (1 of 4 stars). 6 submissions from 6 submitters: Uncertain significance (5); Likely benign (1). Last evaluated 2025-05-06.

Conditions:
Charcot-Marie-Tooth disease type 4. Also called: Charcot-Marie-Tooth disease, type IV; Charcot-Marie-Tooth, Type 4. Identifiers: Orphanet 64749, MedGen C4082197, MONDO:0018995.
Inborn genetic diseases. Identifiers: MedGen C0950123, MeSH D030342.
PRX-related disorder. Also called: PRX-related condition; PRX-Related Disorders.

Submissions (6):

PreventionGenetics, part of Exact Sciences
Classification: Likely benign for PRX-related condition. Last evaluated: 2025-05-06. Review status: criteria provided, single submitter. Criteria: ACMG Guidelines, 2015. Collection method: clinical testing. Allele origin: germline.
Comment: This variant is classified as likely benign based on ACMG/AMP sequence variant interpretation guidelines (Richards et al. 2015 PMID: 25741868, with internal and published modifications).

Labcorp Genetics (formerly Invitae), Labcorp
Classification: Uncertain significance for Charcot-Marie-Tooth disease type 4. Last evaluated: 2024-10-21. Review status: criteria provided, single submitter. Criteria: Invitae Variant Classification Sherloc (09022015). Collection method: clinical testing. Allele origin: germline.
Comment: This variant, c.1900_1914del, results in the deletion of 5 amino acid(s) of the PRX protein (p.Met634_Glu638del), but otherwise preserves the integrity of the reading frame. This variant is present in population databases (rs575492732, gnomAD 0.2%). This variant has not been reported in the literature in individuals affected with PRX-related conditions. ClinVar contains an entry for this variant (Variation ID: 577945). Experimental studies and prediction algorithms are not available or were not evaluated, and the functional significance of this variant is currently unknown. In summary, the available evidence is currently insufficient to determine the role of this variant in disease. Therefore, it has been classified as a Variant of Uncertain Significance.

Ambry Genetics
Classification: Uncertain significance for Inborn genetic diseases. Last evaluated: 2022-01-04. Review status: criteria provided, single submitter. Criteria: Ambry Variant Classification Scheme 2023. Collection method: clinical testing. Allele origin: germline.
Comment: The c.1900_1914del15 variant (also known as p.M634_E638del) is located in coding exon 4 of the PRX gene. This variant results from an in-frame deletion of 15 nucleotides at positions 1900 to 1914. This results in the in-frame deletion of 5 amino acids between codons 634 and 638. This amino acid region is not well conserved in available vertebrate species. Since supporting evidence is limited at this time, the clinical significance of this alteration remains unclear.

Mayo Clinic Laboratories, Mayo Clinic
Classification: Uncertain significance. Last evaluated: 2021-09-23. Review status: criteria provided, single submitter. Criteria: ACMG Guidelines, 2015. Collection method: clinical testing. Allele origin: germline.

Athena Diagnostics
Classification: Uncertain significance. Last evaluated: 2019-04-25. Review status: criteria provided, single submitter. Criteria: Athena Diagnostics Criteria. Collection method: clinical testing. Allele origin: germline.

Breakthrough Genomics
Classification: Uncertain significance. Review status: criteria provided, single submitter. Criteria: ACMG Guidelines, 2015. Collection method: not provided. Allele origin: germline. Inheritance: Autosomal dominant inheritance. Affected: yes.